The following is an entry in ClinVar:

NM_000642.3(AGL):c.2434-1G>T

Gene: AGL (amylo-alpha-1,6-glucosidase and 4-alpha-glucanotransferase; plus strand). Cytogenetic location: 1p21.2.
Variant type: single nucleotide variant.
Coding change: c.2434-1G>T on transcript NM_000642.3 (MANE Select); the canonical splice acceptor site of the intron before coding-DNA position 2434, G replaced by T.
Molecular consequence: splice acceptor variant.
Genome position (GRCh38, 1-based): chr1:99,884,338, G>T. VCF-style: chr1-99884338-G-T. GRCh37 (hg19) VCF-style: chr1-100349894-G-T.
Other names: c.2233-1G>T (NM_001425327.1); c.2230-1G>T (NM_001425328.1, NM_001425329.1); c.2056-1G>T (NM_001425332.1); c.2434-1G>T (NM_001425325.1, NM_000028.3, NM_000643.3 and 2 more transcripts); c.2386-1G>T (NM_000646.3).
Identifiers: ClinVar variation 1478686 (VCV001478686.6), dbSNP rs2100768726, ClinGen allele CA341321030.

ClinVar aggregate classification (germline): Likely pathogenic (1 of 4 stars; one submission).

Conditions:
Glycogen storage disease type III (GSD3). Also called: Cori disease; FORBES DISEASE. Identifiers: Orphanet 366, MedGen C0017922, MONDO:0009291, OMIM 232400.

Submission:

Labcorp Genetics (formerly Invitae), Labcorp
Classification: Likely pathogenic for Glycogen storage disease type III. Last evaluated: 2021-11-14. Review status: criteria provided, single submitter. Criteria: Invitae Variant Classification Sherloc (09022015). Collection method: clinical testing. Allele origin: germline.
Comment: Algorithms developed to predict the effect of sequence changes on RNA splicing suggest that this variant may disrupt the consensus splice site. In summary, the currently available evidence indicates that the variant is pathogenic, but additional data are needed to prove that conclusively. Therefore, this variant has been classified as Likely Pathogenic. This variant has not been reported in the literature in individuals affected with AGL-related conditions. This variant is not present in population databases (gnomAD no frequency). This sequence change affects an acceptor splice site in intron 18 of the AGL gene. It is expected to disrupt RNA splicing. Variants that disrupt the donor or acceptor splice site typically lead to a loss of protein function (PMID: 16199547), and loss-of-function variants in AGL are known to be pathogenic (PMID: 19299494).

Literature cited by the submitters: PubMed 16199547; PubMed 19299494.